The following is an entry in ClinVar:

ClinVar aggregate classification (germline): Pathogenic. Review status: criteria provided, multiple submitters, no conflicts (2 of 4 stars). 6 submissions from 6 submitters: Pathogenic (6). Last evaluated 2025-03-17.

Conditions:
PROM1-related disorder. Also called: PROM1-related disorders; PROM1-related condition.
Cone-rod dystrophy. Also called: Cone/cone-rod dystrophy; Cone-rod degeneration. Identifiers: Orphanet 1872, MedGen C4085590, MONDO:0015993, HP:0000548.
Cone-rod dystrophy 12 (CORD12). Identifiers: Orphanet 1872, MedGen C2675210, MONDO:0012983, OMIM 612657.
Retinal dystrophy. Also called: Inherited retinal dystrophy. Identifiers: Orphanet 71862, MedGen C0854723, MeSH D058499, MONDO:0019118, HP:0000556.

Allele frequency attached by ClinVar (database versions not stated): TOPMed 0.00004.
gnomAD v4.1: 11 of 1,611,028 alleles (0.00068%); highest among the groups gnomAD compares: Non-Finnish European, 0.00093%; no homozygotes.

Submissions (6):

Labcorp Genetics (formerly Invitae), Labcorp
Classification: Pathogenic. Last evaluated: 2025-03-17. Review status: criteria provided, single submitter. Criteria: Invitae Variant Classification Sherloc (09022015). Collection method: clinical testing. Allele origin: germline.
Comment: This sequence change creates a premature translational stop signal (p.Tyr214*) in the PROM1 gene. It is expected to result in an absent or disrupted protein product. Loss-of-function variants in PROM1 are known to be pathogenic (PMID: 17605048, 19718270, 24154662, 25474345). This variant is present in population databases (rs368213921, gnomAD 0.003%). This premature translational stop signal has been observed in individual(s) with autosomal recessive retinal dystrophy (PMID: 24265693). ClinVar contains an entry for this variant (Variation ID: 836421). For these reasons, this variant has been classified as Pathogenic.

Blueprint Genetics
Classification: Pathogenic for PROM1-related disorders. Last evaluated: 2024-03-12. Review status: criteria provided, single submitter. Criteria: ACMG Guidelines, 2015. Collection method: clinical testing. Allele origin: germline. Affected: yes. Observed: 5 variant alleles.

Institute of Human Genetics, University of Leipzig Medical Center
Classification: Pathogenic for Cone-rod dystrophy 12. Last evaluated: 2024-02-16. Review status: criteria provided, single submitter. Criteria: ACMG Guidelines, 2015. Collection method: clinical testing. Allele origin: unknown. Inheritance: Autosomal dominant inheritance. Affected: yes.
Comment: Criteria applied: PVS1,PS4_MOD,PM2_SUP

Ophthalmic Genetics Group, Institute of Molecular and Clinical Ophthalmology Basel
Classification: Pathogenic for Cone-rod dystrophy. Last evaluated: 2023-07-24. Review status: criteria provided, single submitter. Criteria: ACMG Guidelines, 2015. Collection method: research. Allele origin: germline. Affected: yes. Observed: 1 variant allele.
Comment: Clinical significance based on ACMG v2.0

This variant was classified as Pathogenic based on ACMG criteria: PVS1, PM2, PP5.

GeneDx
Classification: Pathogenic. Last evaluated: 2022-01-12. Review status: criteria provided, single submitter. Criteria: GeneDx Variant Classification Process June 2021. Collection method: clinical testing. Allele origin: germline. Affected: yes.
Comment: Nonsense variant predicted to result in protein truncation or nonsense mediated decay in a gene for which loss-of-function is a known mechanism of disease; Observed in a patient with a Best retinal disease phenotype in an abstract, but no specific details were provided (Lee I et al., 2021); This variant is associated with the following publications: (PMID: 26702251, 24265693, Lee_2021_abstract)

Institute of Human Genetics, Univ. Regensburg, Univ. Regensburg
Classification: Pathogenic for Retinal dystrophy. Last evaluated: 2021-01-01. Review status: criteria provided, single submitter. Criteria: ACMG Guidelines, 2015. Collection method: clinical testing. Allele origin: germline. Affected: yes.

Literature cited by the submitters: PubMed 17605048 (cited by Labcorp Genetics (formerly Invitae), Labcorp); PubMed 19718270 (cited by Labcorp Genetics (formerly Invitae), Labcorp); PubMed 24154662 (cited by Labcorp Genetics (formerly Invitae), Labcorp); PubMed 25474345 (cited by Labcorp Genetics (formerly Invitae), Labcorp); PubMed 24265693 (cited by Labcorp Genetics (formerly Invitae), Labcorp and Institute of Human Genetics, Univ. Regensburg, Univ. Regensburg); PubMed 36909829 (cited by Ophthalmic Genetics Group, Institute of Molecular and Clinical Ophthalmology Basel); PubMed 31964843 (cited by Institute of Human Genetics, Univ. Regensburg, Univ. Regensburg); PubMed 32531858 (cited by Institute of Human Genetics, Univ. Regensburg, Univ. Regensburg).

NM_006017.3(PROM1):c.642T>A (p.Tyr214Ter)

Gene: PROM1 (prominin 1; minus strand). Cytogenetic location: 4p15.32.
Variant type: single nucleotide variant.
Coding change: c.642T>A on transcript NM_006017.3 (MANE Select); coding-DNA position 642, T replaced by A.
Protein change: p.Tyr214Ter; replaces tyrosine 214 with a stop codon.
Molecular consequence: nonsense.
Genome position (GRCh38, 1-based): chr4:16,024,347, A>T on the plus strand (T>A on the coding strand, the complement: PROM1 is on the minus strand). VCF-style: chr4-16024347-A-T. GRCh37 (hg19) VCF-style: chr4-16025970-A-T.
Other names: NP_006008.1:p.(Tyr214Ter); c.615T>A, p.Tyr205Ter (NM_001145847.2, NM_001145848.2, NM_001145851.2 and 4 more transcripts); c.642T>A, p.Tyr214Ter (NM_001145849.2, NM_001145850.2); short protein forms Y214*, Y205*.
Identifiers: ClinVar variation 836421 (VCV000836421.17), dbSNP rs368213921, ClinGen allele CA2867012.